The following is an entry in ClinVar:

ClinVar aggregate classification (germline): Uncertain significance (1 of 4 stars; one submission).

Conditions:
Hereditary cancer-predisposing syndrome. Also called: Hereditary Cancer Syndrome; Hereditary neoplastic syndrome; Neoplastic Syndromes, Hereditary; Tumor predisposition. Identifiers: Orphanet 140162, MedGen C0027672, MeSH D009386, MONDO:0015356.

Submission:

Ambry Genetics
Classification: Uncertain significance for Hereditary cancer-predisposing syndrome. Last evaluated: 2021-07-20. Review status: criteria provided, single submitter. Criteria: Ambry Variant Classification Scheme 2023. Collection method: clinical testing. Allele origin: germline.
Comment: The p.C1510Y variant (also known as c.4529G>A), located in coding exon 22 of the DICER1 gene, results from a G to A substitution at nucleotide position 4529. The cysteine at codon 1510 is replaced by tyrosine, an amino acid with highly dissimilar properties. This amino acid position is highly conserved in available vertebrate species. In addition, this alteration is predicted to be deleterious by in silico analysis. Since supporting evidence is limited at this time, the clinical significance of this alteration remains unclear.

NM_177438.3(DICER1):c.4529G>A (p.Cys1510Tyr)

Gene: DICER1 (dicer 1, ribonuclease III; minus strand). Cytogenetic location: 14q32.13.
Variant type: single nucleotide variant.
Coding change: c.4529G>A on transcript NM_177438.3 (MANE Select); coding-DNA position 4529, G replaced by A.
Protein change: p.Cys1510Tyr; replaces cysteine 1510 with tyrosine.
Molecular consequence: missense variant. On other transcripts: non-coding transcript variant (6).
Genome position (GRCh38, 1-based): chr14:95,096,391, C>T on the plus strand (G>A on the coding strand, the complement: DICER1 is on the minus strand). VCF-style: chr14-95096391-C-T. GRCh37 (hg19) VCF-style: chr14-95562728-C-T.
Other names: c.4529G>A, p.Cys1510Tyr (NM_001195573.1, NM_001271282.3, NM_001291628.2 and 13 more transcripts); c.4247G>A, p.Cys1416Tyr (NM_001395686.1); c.4124G>A, p.Cys1375Tyr (NM_001395687.1, NM_001395688.1, NM_001395689.1 and 2 more transcripts); c.3962G>A, p.Cys1321Tyr (NM_001395691.1); c.2846G>A, p.Cys949Tyr (NM_001395697.1); short protein forms C1510Y, C1321Y, C1375Y, C1416Y, C949Y.
Identifiers: ClinVar variation 1741245 (VCV001741245.2), dbSNP rs2139848630, ClinGen allele CA390867939.